The following is an entry in ClinVar:

NM_001371986.1(UNC80):c.2957G>A (p.Ser986Asn)

Gene: UNC80 (unc-80 homolog, NALCN channel complex subunit; plus strand). Cytogenetic location: 2q34.
Variant type: single nucleotide variant.
Coding change: c.2957G>A on transcript NM_001371986.1 (MANE Select); coding-DNA position 2957, G replaced by A.
Protein change: p.Ser986Asn; replaces serine 986 with asparagine.
Molecular consequence: missense variant.
Genome position (GRCh38, 1-based): chr2:209,834,926, G>A. VCF-style: chr2-209834926-G-A. GRCh37 (hg19) VCF-style: chr2-210699650-G-A.
Other names: c.2957G>A, p.Ser986Asn (NM_032504.2); c.2942G>A, p.Ser981Asn (NM_182587.4); short protein forms S981N, S986N.
Identifiers: ClinVar variation 1717088 (VCV001717088.4), dbSNP rs2470992900, ClinGen allele CA350411842.

ClinVar aggregate classification (germline): Uncertain significance (1 of 4 stars; one submission).

Allele frequency attached by ClinVar (database versions not stated): gnomAD exomes below 0.00001.
gnomAD v4.1: 3 of 1,550,330 alleles (0.00019%); highest among the groups gnomAD compares: Non-Finnish European, 0.00026%; no homozygotes.

Submission:

Labcorp Genetics (formerly Invitae), Labcorp
Classification: Uncertain significance. Last evaluated: 2022-08-20. Review status: criteria provided, single submitter. Criteria: Invitae Variant Classification Sherloc (09022015). Collection method: clinical testing. Allele origin: germline.
Comment: This sequence change replaces serine, which is neutral and polar, with asparagine, which is neutral and polar, at codon 986 of the UNC80 protein (p.Ser986Asn). This variant is not present in population databases (gnomAD no frequency). This variant has not been reported in the literature in individuals affected with UNC80-related conditions. Algorithms developed to predict the effect of missense changes on protein structure and function are either unavailable or do not agree on the potential impact of this missense change (SIFT: "Not Available"; PolyPhen-2: "Benign"; Align-GVGD: "Not Available"). In summary, the available evidence is currently insufficient to determine the role of this variant in disease. Therefore, it has been classified as a Variant of Uncertain Significance.